The following is an entry in ClinVar:

ClinVar aggregate classification (germline): Uncertain significance. Review status: criteria provided, multiple submitters, no conflicts (2 of 4 stars). 2 submissions from 2 submitters: Uncertain significance (2). Last evaluated 2025-12-03.

Conditions:
TBC1D4-related disorder. Also called: TBC1D4-related condition.

gnomAD v4.1: 69 of 1,613,808 alleles (0.0043%); highest among the groups gnomAD compares: Middle Eastern, 0.016%; no homozygotes.

Submissions (2):

PreventionGenetics, part of Exact Sciences
Classification: Uncertain significance for TBC1D4-related condition. Last evaluated: 2025-12-03. Review status: criteria provided, single submitter. Criteria: ACMG Guidelines, 2015. Collection method: clinical testing. Allele origin: germline.
Comment: The TBC1D4 c.1316C>T variant is predicted to result in the amino acid substitution p.Thr439Met. To our knowledge, this variant has not been reported in the literature. This variant is reported in 0.0058% of alleles in individuals of Latino descent in gnomAD. At this time, the clinical significance of this variant is uncertain due to the absence of conclusive functional and genetic evidence.

Ambry Genetics
Classification: Uncertain significance. Last evaluated: 2025-01-20. Review status: criteria provided, single submitter. Criteria: Ambry Variant Classification Scheme 2023. Collection method: clinical testing. Allele origin: germline.

NM_014832.5(TBC1D4):c.1316C>T (p.Thr439Met)

Gene: TBC1D4 (TBC1 domain family member 4; minus strand). Cytogenetic location: 13q22.2.
Variant type: single nucleotide variant.
Coding change: c.1316C>T on transcript NM_014832.5 (MANE Select); coding-DNA position 1316, C replaced by T.
Protein change: p.Thr439Met; replaces threonine 439 with methionine.
Molecular consequence: missense variant.
Genome position (GRCh38, 1-based): chr13:75,349,262, G>A on the plus strand (C>T on the coding strand, the complement: TBC1D4 is on the minus strand). VCF-style: chr13-75349262-G-A. GRCh37 (hg19) VCF-style: chr13-75923398-G-A.
Other names: c.1316C>T (NM_014832.4); c.1316C>T, p.Thr439Met (NM_001286658.2, NM_001286659.2); short protein forms T439M.
Identifiers: ClinVar variation 3804686 (VCV003804686.2).
Genomic context (GRCh38, chr13:75,349,262, plus strand): 5'-TGCATCGGGCAGGCCTCACACAGTTTAATCTGCGTCTTGGCACTCTGCAGGGCAGCCGCC[G>A]TACTGAAGGCCTGTTTCAGAGTCAGCATTACCTCATCAACCTACAGGAAGAAACAAAACT-3'
Protein context (NP_055647.2, residues 429-449): VMLTLKQAFS[Thr439Met]AAALQSAKTQ